The following is an entry in ClinVar:

NM_004656.4(BAP1):c.1688A>C (p.His563Pro)

Gene: BAP1 (BRCA1 associated deubiquitinase 1; minus strand). Cytogenetic location: 3p21.1.
Variant type: single nucleotide variant.
Coding change: c.1688A>C on transcript NM_004656.4 (MANE Select); coding-DNA position 1688, A replaced by C.
Protein change: p.His563Pro; replaces histidine 563 with proline.
Molecular consequence: missense variant.
Genome position (GRCh38, 1-based): chr3:52,403,457, T>G on the plus strand (A>C on the coding strand, the complement: BAP1 is on the minus strand). VCF-style: chr3-52403457-T-G. GRCh37 (hg19) VCF-style: chr3-52437473-T-G.
Other names: c.1634A>C, p.His545Pro (NM_001410772.1); short protein forms H545P, H563P.
Identifiers: ClinVar variation 2450420 (VCV002450420.2), dbSNP rs1705037340, ClinGen allele CA353099842.
Genomic context (GRCh38, chr3:52,403,457, plus strand): 5'-GAGCCAGTCCAAGGCCCACCTGTCAGCGCCAGGGGACTCAGCACCCCATCCTCAGCCAGG[T>G]GCAGCAGGCCTGTGCTGATGACAGGACCCAGATCACGGACAGCACGGTTGTAGCGTATGC-3'
Protein context (NP_004647.1, residues 553-573): LGPVISTGLL[His563Pro]LAEDGVLSPL

ClinVar aggregate classification (germline): Uncertain significance (1 of 4 stars; one submission).

Conditions:
Hereditary cancer-predisposing syndrome. Also called: Neoplastic Syndromes, Hereditary; Tumor predisposition; Hereditary neoplastic syndrome; Hereditary Cancer Syndrome. Identifiers: Orphanet 140162, MedGen C0027672, MeSH D009386, MONDO:0015356.

Submission:

Ambry Genetics
Classification: Uncertain significance for Hereditary cancer-predisposing syndrome. Last evaluated: 2022-11-17. Review status: criteria provided, single submitter. Criteria: Ambry Variant Classification Scheme 2023. Collection method: clinical testing. Allele origin: germline.
Comment: The p.H563P variant (also known as c.1688A>C), located in coding exon 13 of the BAP1 gene, results from an A to C substitution at nucleotide position 1688. The histidine at codon 563 is replaced by proline, an amino acid with similar properties. This amino acid position is conserved. In addition, the in silico prediction for this alteration is inconclusive. Since supporting evidence is limited at this time, the clinical significance of this alteration remains unclear.